The following is an entry in ClinVar:

ClinVar aggregate classification (germline): Uncertain significance (1 of 4 stars; one submission).

gnomAD v4.1: 3 of 1,614,112 alleles (0.00019%); highest among the groups gnomAD compares: Admixed American, 0.005%; no homozygotes.

Submission:

Labcorp Genetics (formerly Invitae), Labcorp
Classification: Uncertain significance. Last evaluated: 2021-06-13. Review status: criteria provided, single submitter. Criteria: Invitae Variant Classification Sherloc (09022015). Collection method: clinical testing. Allele origin: germline.
Comment: In summary, the available evidence is currently insufficient to determine the role of this variant in disease. Therefore, it has been classified as a Variant of Uncertain Significance. Algorithms developed to predict the effect of missense changes on protein structure and function are either unavailable or do not agree on the potential impact of this missense change (SIFT: "Not Available"; PolyPhen-2: "Benign"; Align-GVGD: "Not Available"). This variant has not been reported in the literature in individuals with ADAMTS18-related conditions. This variant is not present in population databases (ExAC no frequency). This sequence change replaces asparagine with tyrosine at codon 1111 of the ADAMTS18 protein (p.Asn1111Tyr). The asparagine residue is moderately conserved and there is a large physicochemical difference between asparagine and tyrosine.

NM_199355.4(ADAMTS18):c.3331A>T (p.Asn1111Tyr)

Gene: ADAMTS18 (ADAM metallopeptidase with thrombospondin type 1 motif 18; minus strand). Cytogenetic location: 16q23.1.
Variant type: single nucleotide variant.
Coding change: c.3331A>T on transcript NM_199355.4 (MANE Select); coding-DNA position 3331, A replaced by T.
Protein change: p.Asn1111Tyr; replaces asparagine 1111 with tyrosine.
Molecular consequence: missense variant.
Genome position (GRCh38, 1-based): chr16:77,291,337, T>A on the plus strand (A>T on the coding strand, the complement: ADAMTS18 is on the minus strand). VCF-style: chr16-77291337-T-A. GRCh37 (hg19) VCF-style: chr16-77325234-T-A.
Other names: c.2815A>T, p.Asn939Tyr (NM_001326358.2); short protein forms N939Y, N1111Y.
Identifiers: ClinVar variation 1433035 (VCV001433035.6), dbSNP rs753293005, ClinGen allele CA284421947.